The following is an entry in ClinVar:

NM_002661.5(PLCG2):c.3560G>A (p.Arg1187Gln)

Gene: PLCG2 (phospholipase C gamma 2; plus strand). Cytogenetic location: 16q23.3.
Variant type: single nucleotide variant.
Coding change: c.3560G>A on transcript NM_002661.5 (MANE Select); coding-DNA position 3560, G replaced by A.
Protein change: p.Arg1187Gln; replaces arginine 1187 with glutamine.
Molecular consequence: missense variant.
Genome position (GRCh38, 1-based): chr16:81,946,253, G>A. VCF-style: chr16-81946253-G-A. GRCh37 (hg19) VCF-style: chr16-81979858-G-A.
Other names: c.3560G>A, p.Arg1187Gln (NM_001425749.1, NM_001425750.1, NM_001425751.1); short protein forms R1187Q.
Identifiers: ClinVar variation 2902331 (VCV002902331.4), dbSNP rs751544016, ClinGen allele CA8194764.

ClinVar aggregate classification (germline): Uncertain significance. Review status: criteria provided, multiple submitters, no conflicts (2 of 4 stars). 2 submissions from 2 submitters: Uncertain significance (2). Last evaluated 2024-03-20.

Conditions:
Inborn genetic diseases. Identifiers: MedGen C0950123, MeSH D030342.
Familial cold autoinflammatory syndrome 3 (FCAS3). Also called: ANTIBODY DEFICIENCY AND IMMUNE DYSREGULATION, PLCG2-ASSOCIATED; FAMILIAL ATYPICAL COLD URTICARIA. Identifiers: Orphanet 300359, MedGen C3280914, MONDO:0013766, OMIM 614468.

Allele frequency attached by ClinVar (database versions not stated): gnomAD 0.00001; ExAC 0.00002.
gnomAD v4.1: 20 of 1,612,782 alleles (0.0012%); highest among the groups gnomAD compares: East Asian, 0.0022%; no homozygotes.

Submissions (2):

Ambry Genetics
Classification: Uncertain significance for Inborn genetic diseases. Last evaluated: 2024-03-20. Review status: criteria provided, single submitter. Criteria: Ambry Variant Classification Scheme 2023. Collection method: clinical testing. Allele origin: germline.

Labcorp Genetics (formerly Invitae), Labcorp
Classification: Uncertain significance for Familial cold autoinflammatory syndrome 3. Last evaluated: 2024-01-20. Review status: criteria provided, single submitter. Criteria: Invitae Variant Classification Sherloc (09022015). Collection method: clinical testing. Allele origin: germline.
Comment: This sequence change replaces arginine, which is basic and polar, with glutamine, which is neutral and polar, at codon 1187 of the PLCG2 protein (p.Arg1187Gln). This variant is present in population databases (rs751544016, gnomAD 0.02%). This variant has not been reported in the literature in individuals affected with PLCG2-related conditions. Algorithms developed to predict the effect of missense changes on protein structure and function output the following: SIFT: "Not Available"; PolyPhen-2: "Benign"; Align-GVGD: "Not Available". The glutamine amino acid residue is found in multiple mammalian species, which suggests that this missense change does not adversely affect protein function. In summary, the available evidence is currently insufficient to determine the role of this variant in disease. Therefore, it has been classified as a Variant of Uncertain Significance.